The following is an entry in ClinVar:

NM_000243.3(MEFV):c.1092G>A (p.Pro364=)

Gene: MEFV (MEFV innate immunity regulator, pyrin; minus strand). Cytogenetic location: 16p13.3.
Variant type: single nucleotide variant.
Coding change: c.1092G>A on transcript NM_000243.3 (MANE Select); coding-DNA position 1092, G replaced by A.
Protein change: p.Pro364=; no amino-acid change (proline 364 retained).
Molecular consequence: synonymous variant.
Genome position (GRCh38, 1-based): chr16:3,249,599, C>T on the plus strand (G>A on the coding strand, the complement: MEFV is on the minus strand). VCF-style: chr16-3249599-C-T. GRCh37 (hg19) VCF-style: chr16-3299599-C-T.
Other names: c.459G>A, p.Pro153= (NM_001198536.2).
Identifiers: ClinVar variation 527806 (VCV000527806.62), dbSNP rs11466022, ClinGen allele CA7860235.

ClinVar aggregate classification (germline): Conflicting classifications of pathogenicity. Review status: criteria provided, conflicting classifications (1 of 4 stars). 9 submissions from 7 submitters: Uncertain significance (1); Likely benign (8). Last evaluated 2026-01-19.

Conditions:
Acute febrile neutrophilic dermatosis (AFND). Also called: Gomm Button disease; Sweet Syndrome. Identifiers: Orphanet 3243, MedGen C0085077, MONDO:0011959, OMIM 608068.
Familial Mediterranean fever (FMF). Also called: Periodic peritonitis; Benign paroxysmal peritonitis; POLYSEROSITIS, FAMILIAL PAROXYSMAL; POLYSEROSITIS, RECURRENT. Identifiers: Orphanet 342, MedGen C0031069, MONDO:0018088, OMIM 249100. Disease mechanism: gain of function.
Familial Mediterranean fever, autosomal dominant. Also called: Dominant Familial Mediterranean Fever; FMF, AUTOSOMAL DOMINANT. Identifiers: Orphanet 342, MedGen C1851347, MONDO:0007601, OMIM 134610.

Allele frequency attached by ClinVar (database versions not stated): TOPMed 0.00029; 1000 Genomes Project 30x 0.00031.

Submissions (9):

Labcorp Genetics (formerly Invitae), Labcorp
Classification: Likely benign for Familial Mediterranean fever. Last evaluated: 2026-01-19. Review status: criteria provided, single submitter. Criteria: Invitae Variant Classification Sherloc (09022015). Collection method: clinical testing. Allele origin: germline.

Blueprint Genetics
Classification: Likely benign. Last evaluated: 2024-08-26. Review status: criteria provided, single submitter. Criteria: ACMG Guidelines, 2015. Collection method: clinical testing. Allele origin: germline.

Genome-Nilou Lab
Classification: Uncertain significance for Familial Mediterranean fever. Last evaluated: 2023-02-08. Review status: criteria provided, single submitter. Criteria: ACMG Guidelines, 2015. Collection method: clinical testing. Allele origin: germline.

Genome-Nilou Lab
Classification: Likely benign for Familial Mediterranean fever, autosomal dominant. Last evaluated: 2023-02-08. Review status: criteria provided, single submitter. Criteria: ACMG Guidelines, 2015. Collection method: clinical testing. Allele origin: germline.

Genome-Nilou Lab
Classification: Likely benign for Acute febrile neutrophilic dermatosis. Last evaluated: 2023-02-08. Review status: criteria provided, single submitter. Criteria: ACMG Guidelines, 2015. Collection method: clinical testing. Allele origin: germline.

Fulgent Genetics
Classification: Likely benign for Familial Mediterranean fever, autosomal dominant; Familial Mediterranean fever; Acute febrile neutrophilic dermatosis. Last evaluated: 2022-03-02. Review status: criteria provided, single submitter. Criteria: ACMG Guidelines, 2015. Collection method: clinical testing. Allele origin: unknown.

CeGaT Center for Human Genetics Tuebingen
Classification: Likely benign. Last evaluated: 2019-03-01. Review status: criteria provided, single submitter. Criteria: CeGaT Center For Human Genetics Tuebingen Variant Classification Criteria Version 2. Collection method: clinical testing. Allele origin: germline. Affected: yes. Observed: 2 variant alleles.

ARUP Laboratories, Molecular Genetics and Genomics, ARUP Laboratories
Classification: Likely benign. Last evaluated: 2017-06-27. Review status: criteria provided, single submitter. Criteria: ARUP Molecular Germline Variant Investigation Process. Collection method: clinical testing. Allele origin: germline.
Comment: The MEFV c.1092G>A;p.Pro364Pro variant has not been described in the medical literature or in gene-specific databases. The variant is not listed in the ClinVar database, but is listed in the dbSNP variant database (rs11466022) with an allele frequency of 0.01050 percent (29/276138 alleles) in the Genome Aggregation Database. The nucleotide at this position is not well conserved across species and computational algorithms (SpliceSiteFinder-like, MaxEntScan, NNSplice, GeneSplicer, Human Splicing Finder) predict this variant is tolerated. Considering available information, this variant is classified as likely benign.

Breakthrough Genomics
Classification: Likely benign. Review status: criteria provided, single submitter. Criteria: ACMG Guidelines, 2015. Collection method: not provided. Allele origin: germline. Inheritance: Autosomal recessive inheritance. Affected: yes.